The following is an entry in ClinVar:

ClinVar aggregate classification (germline): Uncertain significance. Review status: criteria provided, multiple submitters, no conflicts (2 of 4 stars). 3 submissions from 3 submitters: Uncertain significance (3). Last evaluated 2024-10-15.

Conditions:
Inborn genetic diseases. Identifiers: MedGen C0950123, MeSH D030342.
Epidermolysis bullosa simplex 5C, with pyloric atresia (EBS5C). Also called: PLEC1-Related Epidermolysis Bullosa with Pyloric Atresia; PLEC-Related Epidermolysis Bullosa with Pyloric Atresia; Epidermolysis bullosa simplex with pyloric atresia. Identifiers: Orphanet 158684, MedGen C2677349, MONDO:0012807, OMIM 612138.
Epidermolysis bullosa simplex with nail dystrophy (EBS5D). Identifiers: MedGen C4225309, MONDO:0014661, OMIM 616487.
Autosomal recessive limb-girdle muscular dystrophy type 2Q (LGMDR17). Also called: MUSCULAR DYSTROPHY, LIMB-GIRDLE, AUTOSOMAL RECESSIVE 17. Identifiers: Orphanet 254361, MedGen C3150989, MONDO:0013390, OMIM 613723.
Epidermolysis bullosa simplex 5B, with muscular dystrophy (EBS5B). Also called: Epidermolysis bullosa simplex with muscular dystrophy; EPIDERMOLYSIS BULLOSA SIMPLEX AND LIMB-GIRDLE MUSCULAR DYSTROPHY. Identifiers: Orphanet 257, MedGen C2931072, MONDO:0009181, OMIM 226670.
Epidermolysis bullosa simplex, Ogna type (EBS5A). Also called: Pidermolysis bullosa simplex 5A, Ogna type; EPIDERMOLYSIS BULLOSA SIMPLEX 5A, OGNA TYPE. Identifiers: Orphanet 79401, MedGen C0432317, MONDO:0007555, OMIM 131950.

Allele frequency attached by ClinVar (database versions not stated): gnomAD 0.00001; gnomAD exomes 0.00001; TOPMed 0.00001; ExAC 0.00002.
gnomAD v4.1: 37 of 1,609,782 alleles (0.0023%); highest among the groups gnomAD compares: Non-Finnish European, 0.0029%; no homozygotes.

Submissions (3):

Revvity Omics, Revvity
Classification: Uncertain significance. Last evaluated: 2024-10-15. Review status: criteria provided, single submitter. Criteria: ACMG Guidelines, 2015. Collection method: clinical testing. Allele origin: germline.

Ambry Genetics
Classification: Uncertain significance for Inborn genetic diseases. Last evaluated: 2024-04-20. Review status: criteria provided, single submitter. Criteria: Ambry Variant Classification Scheme 2023. Collection method: clinical testing. Allele origin: germline.

Labcorp Genetics (formerly Invitae), Labcorp
Classification: Uncertain significance for Autosomal recessive limb-girdle muscular dystrophy type 2Q; Epidermolysis bullosa simplex, Ogna type; Epidermolysis bullosa simplex with nail dystrophy; Epidermolysis bullosa simplex 5C, with pyloric atresia; Epidermolysis bullosa simplex 5B, with muscular dystrophy. Last evaluated: 2024-03-01. Review status: criteria provided, single submitter. Criteria: Invitae Variant Classification Sherloc (09022015). Collection method: clinical testing. Allele origin: germline.
Comment: This sequence change replaces aspartic acid, which is acidic and polar, with asparagine, which is neutral and polar, at codon 2226 of the PLEC protein (p.Asp2226Asn). The frequency data for this variant in the population databases is considered unreliable, as metrics indicate poor data quality at this position in the gnomAD database. This variant has not been reported in the literature in individuals affected with PLEC-related conditions. ClinVar contains an entry for this variant (Variation ID: 575411). Advanced modeling of protein sequence and biophysical properties (such as structural, functional, and spatial information, amino acid conservation, physicochemical variation, residue mobility, and thermodynamic stability) has been performed at Invitae for this missense variant, however the output from this modeling did not meet the statistical confidence thresholds required to predict the impact of this variant on PLEC protein function. In summary, the available evidence is currently insufficient to determine the role of this variant in disease. Therefore, it has been classified as a Variant of Uncertain Significance.

NM_201384.3(PLEC):c.6595G>A (p.Asp2199Asn)

Gene: PLEC (plectin; minus strand). Cytogenetic location: 8q24.3.
Variant type: single nucleotide variant.
Coding change: c.6595G>A on transcript NM_201384.3 (MANE Select); coding-DNA position 6595, G replaced by A.
Protein change: p.Asp2199Asn; replaces aspartic acid 2199 with asparagine.
Molecular consequence: missense variant.
Genome position (GRCh38, 1-based): chr8:143,923,334, C>T on the plus strand (G>A on the coding strand, the complement: PLEC is on the minus strand). VCF-style: chr8-143923334-C-T. GRCh37 (hg19) VCF-style: chr8-144997502-C-T.
Other names: c.6676G>A, p.Asp2226Asn (NM_000445.5); c.6553G>A, p.Asp2185Asn (NM_201378.4); c.6529G>A, p.Asp2177Asn (NM_201379.3); c.7006G>A, p.Asp2336Asn (NM_201380.4); c.6499G>A, p.Asp2167Asn (NM_201381.3); c.6595G>A, p.Asp2199Asn (NM_201382.4); c.6607G>A, p.Asp2203Asn (NM_201383.3); c.6676G>A (NM_000445.3); short protein forms D2177N, D2226N, D2336N, D2167N, D2185N, D2199N, D2203N.
Identifiers: ClinVar variation 575411 (VCV000575411.8), dbSNP rs782456298, ClinGen allele CA4925934.